The following is an entry in ClinVar:

NM_015335.5(MED13L):c.2288C>T (p.Thr763Met)

Gene: MED13L (mediator complex subunit 13L; minus strand). Cytogenetic location: 12q24.21.
Variant type: single nucleotide variant.
Coding change: c.2288C>T on transcript NM_015335.5 (MANE Select); coding-DNA position 2288, C replaced by T.
Protein change: p.Thr763Met; replaces threonine 763 with methionine.
Molecular consequence: missense variant.
Genome position (GRCh38, 1-based): chr12:116,006,362, G>A on the plus strand (C>T on the coding strand, the complement: MED13L is on the minus strand). VCF-style: chr12-116006362-G-A. GRCh37 (hg19) VCF-style: chr12-116444167-G-A.
Other names: short protein forms T763M.
Identifiers: ClinVar variation 1879244 (VCV001879244.30), dbSNP rs2499901573, ClinGen allele CA386893548.

ClinVar aggregate classification (germline): Uncertain significance. Review status: criteria provided, multiple submitters, no conflicts (2 of 4 stars). 2 submissions from 2 submitters: Uncertain significance (2). Last evaluated 2023-09-05.

Allele frequency attached by ClinVar (database versions not stated): gnomAD exomes 0.00001.
gnomAD v4.1: 9 of 1,614,028 alleles (0.00056%); highest among the groups gnomAD compares: Non-Finnish European, 0.00076%; no homozygotes.

Submissions (2):

Blueprint Genetics
Classification: Uncertain significance. Last evaluated: 2023-09-05. Review status: criteria provided, single submitter. Criteria: ACMG Guidelines, 2015. Collection method: clinical testing. Allele origin: germline.

CeGaT Center for Human Genetics Tuebingen
Classification: Uncertain significance. Last evaluated: 2022-11-01. Review status: criteria provided, single submitter. Criteria: CeGaT Center For Human Genetics Tuebingen Variant Classification Criteria Version 2. Collection method: clinical testing. Allele origin: germline. Affected: yes. Observed: 1 variant allele.
Comment: MED13L: PM2, PP2